The following is an entry in ClinVar:

ClinVar aggregate classification (germline): Uncertain significance (1 of 4 stars; one submission).

Conditions:
HUWE1-related disorder. Also called: HUWE1-related condition.

Submission:

PreventionGenetics, part of Exact Sciences
Classification: Uncertain significance for HUWE1-related condition. Last evaluated: 2023-03-06. Review status: criteria provided, single submitter. Criteria: ACMG Guidelines, 2015. Collection method: clinical testing. Allele origin: germline.
Comment: The HUWE1 c.5884G>A variant is predicted to result in the amino acid substitution p.Ala1962Thr. This variant occurs at the last nucleotide of exon 44 and is predicted to alter splicing based on available splicing prediction programs (Alamut Visual Plus v1.6.1). To our knowledge, this variant has not been reported in the literature or in a large population database, indicating this variant is rare. At this time, the clinical significance of this variant is uncertain due to the absence of conclusive functional and genetic evidence.

NM_031407.7(HUWE1):c.5884G>A (p.Ala1962Thr)

Gene: HUWE1 (HECT, UBA and WWE domain containing E3 ubiquitin protein ligase 1; minus strand). Cytogenetic location: Xp11.22.
Variant type: single nucleotide variant.
Coding change: c.5884G>A on transcript NM_031407.7 (MANE Select); coding-DNA position 5884, G replaced by A.
Protein change: p.Ala1962Thr; replaces alanine 1962 with threonine.
Molecular consequence: missense variant.
Genome position (GRCh38, 1-based): chrX:53,576,900, C>T on the plus strand (G>A on the coding strand, the complement: HUWE1 is on the minus strand). VCF-style: chrX-53576900-C-T. GRCh37 (hg19) VCF-style: chrX-53603860-C-T.
Other names: short protein forms A1962T.
Identifiers: ClinVar variation 2633826 (VCV002633826.1), dbSNP rs2524883602, ClinGen allele CA413171661.
Genomic context (GRCh38, chrX:53,576,900, plus strand): 5'-ACCCAGGCAAAGTAACATATCCTCTAGTGCCCAGCCTCCTGAGGTAGGCTAGCCACATAC[C>T]TTCCTCTGGAGCATGGTATGCAGCCAGAGCATTCAGCATATCATAGATCACTTCCTTGAT-3'
Protein context (NP_113584.3, residues 1952-1972): ALAAYHAPEE[Ala1962Thr]DKSDPKPGVM